The following is an entry in ClinVar:

NM_000642.3(AGL):c.2228T>C (p.Val743Ala)

Gene: AGL (amylo-alpha-1,6-glucosidase and 4-alpha-glucanotransferase; plus strand). Cytogenetic location: 1p21.2.
Variant type: single nucleotide variant.
Coding change: c.2228T>C on transcript NM_000642.3 (MANE Select); coding-DNA position 2228, T replaced by C.
Protein change: p.Val743Ala; replaces valine 743 with alanine.
Molecular consequence: missense variant.
Genome position (GRCh38, 1-based): chr1:99,881,611, T>C. VCF-style: chr1-99881611-T-C. GRCh37 (hg19) VCF-style: chr1-100347167-T-C.
Other names: c.2228T>C, p.Val743Ala (NM_000028.3, NM_000643.3, NM_000644.3 and 2 more transcripts); c.2180T>C, p.Val727Ala (NM_000646.3); c.2027T>C, p.Val676Ala (NM_001425327.1); c.2024T>C, p.Val675Ala (NM_001425328.1, NM_001425329.1); c.1850T>C, p.Val617Ala (NM_001425332.1); short protein forms V743A, V727A, V617A, V675A, V676A.
Identifiers: ClinVar variation 2057051 (VCV002057051.4), dbSNP rs2524654278, ClinGen allele CA341319895.

ClinVar aggregate classification (germline): Uncertain significance (1 of 4 stars; one submission).

Conditions:
Glycogen storage disease type III (GSD3). Also called: Cori disease; FORBES DISEASE. Identifiers: Orphanet 366, MedGen C0017922, MONDO:0009291, OMIM 232400.

Submission:

Labcorp Genetics (formerly Invitae), Labcorp
Classification: Uncertain significance for Glycogen storage disease type III. Last evaluated: 2022-11-01. Review status: criteria provided, single submitter. Criteria: Invitae Variant Classification Sherloc (09022015). Collection method: clinical testing. Allele origin: germline.
Comment: Advanced modeling of protein sequence and biophysical properties (such as structural, functional, and spatial information, amino acid conservation, physicochemical variation, residue mobility, and thermodynamic stability) performed at Invitae indicates that this missense variant is expected to disrupt AGL protein function. In summary, the available evidence is currently insufficient to determine the role of this variant in disease. Therefore, it has been classified as a Variant of Uncertain Significance. This variant has not been reported in the literature in individuals affected with AGL-related conditions. This variant is not present in population databases (gnomAD no frequency). This sequence change replaces valine, which is neutral and non-polar, with alanine, which is neutral and non-polar, at codon 743 of the AGL protein (p.Val743Ala).